The following is an entry in ClinVar:

NM_021074.5(NDUFV2):c.55-274C>T

Gene: NDUFV2 (NADH:ubiquinone oxidoreductase core subunit V2; plus strand). Cytogenetic location: 18p11.22.
Variant type: single nucleotide variant.
Coding change: c.55-274C>T on transcript NM_021074.5 (MANE Select); 274 bases into the intron before coding-DNA position 55, C replaced by T.
Molecular consequence: intron variant.
Genome position (GRCh38, 1-based): chr18:9,117,564, C>T. VCF-style: chr18-9117564-C-T. GRCh37 (hg19) VCF-style: chr18-9117562-C-T.
Identifiers: ClinVar variation 669519 (VCV000669519.2), dbSNP rs1472944, ClinGen allele CA14528867.

ClinVar aggregate classification (germline): Benign. Review status: criteria provided, multiple submitters, no conflicts (2 of 4 stars). 2 submissions from 2 submitters: Benign (2). Last evaluated 2018-06-14.

Allele frequency attached by ClinVar (database versions not stated): TOPMed 0.54950; gnomAD 0.54961 and 0.55878; 1000 Genomes Project 30x 0.59072; 1000 Genomes Project 0.59665.
gnomAD v4.1: 229,849 of 386,074 alleles (60%); highest among the groups gnomAD compares: South Asian, 74%; 70,612 homozygotes.

Submissions (2):

GeneDx
Classification: Benign. Last evaluated: 2018-06-14. Review status: criteria provided, single submitter. Criteria: GeneDx Variant Classification (06012015). Collection method: clinical testing. Allele origin: germline. Affected: yes.
Comment: This variant is considered likely benign or benign based on one or more of the following criteria: it is a conservative change, it occurs at a poorly conserved position in the protein, it is predicted to be benign by multiple in silico algorithms, and/or has population frequency not consistent with disease.

Breakthrough Genomics
Classification: Benign. Review status: criteria provided, single submitter. Criteria: ACMG Guidelines, 2015. Collection method: not provided. Allele origin: germline. Inheritance: Autosomal recessive inheritance. Affected: yes.